The following is an entry in ClinVar:

NM_014239.4(EIF2B2):c.365del (p.Phe122fs)

Gene: EIF2B2 (eukaryotic translation initiation factor 2B subunit beta; plus strand). Cytogenetic location: 14q24.3.
Variant type: Deletion.
Coding change: c.365del on transcript NM_014239.4 (MANE Select); coding-DNA position 365, one base deleted (T; older notation c.365delT).
Protein change: p.Phe122fs; shifts the reading frame from phenylalanine 122.
Molecular consequence: frameshift variant.
Genome position (GRCh38, 1-based): chr14:75,003,631, T deleted; the last of 3 consecutive T bases (chr14:75,003,629-75,003,631); deleting any one gives the same sequence. VCF-style (leftmost placement, unchanged base first): chr14-75003628-AT-A. GRCh37 (hg19) VCF-style: chr14-75470331-AT-A.
Other names: short protein forms F122fs.
Identifiers: ClinVar variation 2841267 (VCV002841267.3), dbSNP rs2503004399, ClinGen allele CA2625713197.
Genomic context (GRCh38, chr14:75,003,628, plus strand): 5'-ACGAGAGTGATCAGCAGGAGTCCCTGCACAAACTGTTGACATCCGGAGGCCTAAACGAGG[AT>A]TTCAGCTTCCATTATGCCCAACTCCAGTCCAACATCATTGAGGCGATTAATGAGCTGCTA-3'

ClinVar aggregate classification (germline): Pathogenic (1 of 4 stars; one submission).

Submission:

Labcorp Genetics (formerly Invitae), Labcorp
Classification: Pathogenic. Last evaluated: 2023-02-27. Review status: criteria provided, single submitter. Criteria: Invitae Variant Classification Sherloc (09022015). Collection method: clinical testing. Allele origin: germline.
Comment: This variant is not present in population databases (gnomAD no frequency). For these reasons, this variant has been classified as Pathogenic. This variant has not been reported in the literature in individuals affected with EIF2B2-related conditions. This sequence change creates a premature translational stop signal (p.Phe122Serfs*20) in the EIF2B2 gene. It is expected to result in an absent or disrupted protein product. Loss-of-function variants in EIF2B2 are known to be pathogenic (PMID: 11704758, 12707859).

Literature cited by the submitters: PubMed 11704758; PubMed 12707859.